The following is an entry in ClinVar:

NM_000090.4(COL3A1):c.4172del (p.Lys1391fs)

Gene: COL3A1 (collagen type III alpha 1 chain; plus strand). Cytogenetic location: 2q32.2.
Variant type: Deletion.
Coding change: c.4172del on transcript NM_000090.4 (MANE Select); coding-DNA position 4172, one base deleted (A; older notation c.4172delA).
Protein change: p.Lys1391fs; shifts the reading frame from lysine 1391.
Molecular consequence: frameshift variant.
Genome position (GRCh38, 1-based): chr2:189,010,808, A deleted; the last of 2 consecutive A bases (chr2:189,010,807-189,010,808); deleting either gives the same sequence. VCF-style (leftmost placement, unchanged base first): chr2-189010806-GA-G. GRCh37 (hg19) VCF-style: chr2-189875532-GA-G.
Other names: short protein forms K1391fs.
Identifiers: ClinVar variation 4730164 (VCV004730164.1).

ClinVar aggregate classification (germline): Pathogenic (1 of 4 stars; one submission).

Conditions:
Ehlers-Danlos syndrome, type 4 (EDSVASC). Also called: Ehlers-Danlos syndrome vascular type; Ehlers Danlos syndrome, ecchymotic type; Ehlers Danlos syndrome, arterial type; Ehlers Danlos syndrome, Sack-Barabas type; Ehlers-Danlos Syndrome Type IV. Identifiers: Orphanet 286, MedGen C0268338, MONDO:0017314, OMIM 130050.

Submission:

Labcorp Genetics (formerly Invitae), Labcorp
Classification: Pathogenic for Ehlers-Danlos syndrome, type 4. Last evaluated: 2025-10-29. Review status: criteria provided, single submitter. Criteria: Invitae Variant Classification Sherloc (09022015). Collection method: clinical testing. Allele origin: germline.
Comment: This sequence change creates a premature translational stop signal (p.Lys1391Serfs*2) in the COL3A1 gene. It is expected to result in an absent or disrupted protein product. Loss-of-function variants in COL3A1 are known to be pathogenic (PMID: 24922459). This variant is not present in population databases (gnomAD no frequency). This variant has not been reported in the literature in individuals affected with COL3A1-related conditions. For these reasons, this variant has been classified as Pathogenic.

Literature cited by the submitters: PubMed 24922459.